The following is an entry in ClinVar:

NM_001256789.3(CACNA1F):c.4074T>C (p.Phe1358=)

Gene: CACNA1F (calcium voltage-gated channel subunit alpha1 F; minus strand). Cytogenetic location: Xp11.23.
Variant type: single nucleotide variant.
Coding change: c.4074T>C on transcript NM_001256789.3 (MANE Select); coding-DNA position 4074, T replaced by C.
Protein change: p.Phe1358=; no amino-acid change (phenylalanine 1358 retained).
Molecular consequence: synonymous variant.
Genome position (GRCh38, 1-based): chrX:49,211,924, A>G on the plus strand (T>C on the coding strand, the complement: CACNA1F is on the minus strand). VCF-style: chrX-49211924-A-G. GRCh37 (hg19) VCF-style: chrX-49068384-A-G.
Other names: c.3912T>C, p.Phe1304= (NM_001256790.3); c.4107T>C, p.Phe1369= (NM_005183.4); c.4107T>C (NM_005183.3).
Identifiers: ClinVar variation 1090902 (VCV001090902.10), dbSNP rs782308217, ClinGen allele CA10410275.

ClinVar aggregate classification (germline): Likely benign. Review status: criteria provided, multiple submitters, no conflicts (2 of 4 stars). 2 submissions from 2 submitters: Likely benign (2). Last evaluated 2025-12-26.

Conditions:
CACNA1F-related disorder. Also called: CACNA1F-related condition.

Allele frequency attached by ClinVar (database versions not stated): gnomAD 0.00003 and 0.00004; TOPMed 0.00004; gnomAD exomes 0.00010 and 0.00002; ExAC 0.00002.
gnomAD v4.1: 108 of 1,209,511 alleles (0.0089%); highest among the groups gnomAD compares: Non-Finnish European, 0.012%; no homozygotes.

Submissions (2):

Labcorp Genetics (formerly Invitae), Labcorp
Classification: Likely benign. Last evaluated: 2025-12-26. Review status: criteria provided, single submitter. Criteria: Invitae Variant Classification Sherloc (09022015). Collection method: clinical testing. Allele origin: germline.

PreventionGenetics, part of Exact Sciences
Classification: Likely benign for CACNA1F-related condition. Last evaluated: 2025-03-06. Review status: criteria provided, single submitter. Criteria: ACMG Guidelines, 2015. Collection method: clinical testing. Allele origin: germline.
Comment: This variant is classified as likely benign based on ACMG/AMP sequence variant interpretation guidelines (Richards et al. 2015 PMID: 25741868, with internal and published modifications).